The following is an entry in ClinVar:

NM_007327.4(GRIN1):c.2021A>T (p.Asn674Ile)

Gene: GRIN1 (glutamate ionotropic receptor NMDA type subunit 1; plus strand). Cytogenetic location: 9q34.3.
Variant type: single nucleotide variant.
Coding change: c.2021A>T on transcript NM_007327.4 (MANE Select); coding-DNA position 2021, A replaced by T.
Protein change: p.Asn674Ile; replaces asparagine 674 with isoleucine.
Molecular consequence: missense variant.
Genome position (GRCh38, 1-based): chr9:137,162,853, A>T. VCF-style: chr9-137162853-A-T. GRCh37 (hg19) VCF-style: chr9-140057305-A-T.
Other names: c.2021A>T, p.Asn674Ile (NM_000832.7, NM_021569.4); c.2084A>T, p.Asn695Ile (NM_001185090.2, NM_001185091.2); short protein forms N674I, N695I.
Identifiers: ClinVar variation 1163324 (VCV001163324.6), dbSNP rs2131299944, ClinGen allele CA375721726.

ClinVar aggregate classification (germline): Likely pathogenic (1 of 4 stars; one submission).

Submission:

Mayo Clinic Laboratories, Mayo Clinic
Classification: Likely pathogenic. Last evaluated: 2019-05-06. Review status: criteria provided, single submitter. Criteria: ACMG Guidelines, 2015. Collection method: clinical testing. Allele origin: germline. Observed: 1 variant allele.
Comment: PS2, PM2, PM6

Literature cited by the submitters: PubMed 29365063; PubMed 30753417.